The following is an entry in ClinVar:

NM_020366.4(RPGRIP1):c.2721C>A (p.Asn907Lys)

Gene: RPGRIP1 (RPGR interacting protein 1; plus strand). Cytogenetic location: 14q11.2.
Variant type: single nucleotide variant.
Coding change: c.2721C>A on transcript NM_020366.4 (MANE Select); coding-DNA position 2721, C replaced by A.
Protein change: p.Asn907Lys; replaces asparagine 907 with lysine.
Molecular consequence: missense variant.
Genome position (GRCh38, 1-based): chr14:21,327,633, C>A. VCF-style: chr14-21327633-C-A. GRCh37 (hg19) VCF-style: chr14-21795792-C-A.
Other names: c.699C>A, p.Asn233Lys (NM_001377523.1, NM_001377950.1); c.1647C>A, p.Asn549Lys (NM_001377948.1); c.807C>A, p.Asn269Lys (NM_001377949.1); c.201C>A, p.Asn67Lys (NM_001377951.1); short protein forms N907K, N233K, N67K, N269K, N549K.
Identifiers: ClinVar variation 2192239 (VCV002192239.1), dbSNP rs755524774, ClinGen allele CA7089337.

ClinVar aggregate classification (germline): Uncertain significance (1 of 4 stars; one submission).

Conditions:
Leber congenital amaurosis 6 (LCA6). Identifiers: Orphanet 65, MedGen C1854260, MONDO:0013446, OMIM 613826.
Cone-rod dystrophy 13 (CORD13). Identifiers: Orphanet 1872, MedGen C2750720, MONDO:0011987, OMIM 608194.

Allele frequency attached by ClinVar (database versions not stated): TOPMed below 0.00001; ExAC 0.00001; gnomAD 0.00001; gnomAD exomes 0.00001.
gnomAD v4.1: 8 of 1,613,792 alleles (0.0005%); highest among the groups gnomAD compares: African/African-American, 0.0013%; no homozygotes.

Submission:

Labcorp Genetics (formerly Invitae), Labcorp
Classification: Uncertain significance for Leber congenital amaurosis 6; Cone-rod dystrophy 13. Last evaluated: 2022-02-10. Review status: criteria provided, single submitter. Criteria: Invitae Variant Classification Sherloc (09022015). Collection method: clinical testing. Allele origin: germline.
Comment: This sequence change replaces asparagine, which is neutral and polar, with lysine, which is basic and polar, at codon 907 of the RPGRIP1 protein (p.Asn907Lys). This variant is present in population databases (rs755524774, gnomAD 0.0009%). This variant has not been reported in the literature in individuals affected with RPGRIP1-related conditions. Algorithms developed to predict the effect of missense changes on protein structure and function (SIFT, PolyPhen-2, Align-GVGD) all suggest that this variant is likely to be tolerated. In summary, the available evidence is currently insufficient to determine the role of this variant in disease. Therefore, it has been classified as a Variant of Uncertain Significance.